The following is an entry in ClinVar:

ClinVar aggregate classification (germline): Uncertain significance. Review status: criteria provided, multiple submitters, no conflicts (2 of 4 stars). 3 submissions from 3 submitters: Uncertain significance (3). Last evaluated 2024-10-08.

Conditions:
Donnai-Barrow syndrome. Also called: DBS/FOAR SYNDROME; FACIOOCULOACOUSTICORENAL SYNDROME. Identifiers: Orphanet 2143, MedGen C1857277, MONDO:0009104, OMIM 222448.

Allele frequency attached by ClinVar (database versions not stated): gnomAD 0.00001; TOPMed 0.00003.
gnomAD v4.1: 7 of 1,613,956 alleles (0.00043%); highest among the groups gnomAD compares: Admixed American, 0.005%; no homozygotes.

Submissions (3):

GeneDx
Classification: Uncertain significance. Last evaluated: 2024-10-08. Review status: criteria provided, single submitter. Criteria: GeneDx Variant Classification Process June 2021. Collection method: clinical testing. Allele origin: germline. Affected: yes.
Comment: Not observed at significant frequency in large population cohorts (gnomAD); In silico analysis supports that this missense variant has a deleterious effect on protein structure/function; Has not been previously published as pathogenic or benign to our knowledge

Fulgent Genetics
Classification: Uncertain significance for Donnai-Barrow syndrome. Last evaluated: 2024-01-29. Review status: criteria provided, single submitter. Criteria: ACMG Guidelines, 2015. Collection method: clinical testing. Allele origin: germline.

Labcorp Genetics (formerly Invitae), Labcorp
Classification: Uncertain significance. Last evaluated: 2022-01-17. Review status: criteria provided, single submitter. Criteria: Invitae Variant Classification Sherloc (09022015). Collection method: clinical testing. Allele origin: germline.
Comment: This sequence change replaces arginine, which is basic and polar, with cysteine, which is neutral and slightly polar, at codon 1663 of the LRP2 protein (p.Arg1663Cys). This variant is present in population databases (no rsID available, gnomAD 0.0009%). This variant has not been reported in the literature in individuals affected with LRP2-related conditions. Algorithms developed to predict the effect of missense changes on protein structure and function are either unavailable or do not agree on the potential impact of this missense change (SIFT: "Tolerated"; PolyPhen-2: "Possibly Damaging"; Align-GVGD: "Class C0"). In summary, the available evidence is currently insufficient to determine the role of this variant in disease. Therefore, it has been classified as a Variant of Uncertain Significance.

NM_004525.3(LRP2):c.4987C>T (p.Arg1663Cys)

Gene: LRP2 (LDL receptor related protein 2; minus strand). Cytogenetic location: 2q31.1.
Variant type: single nucleotide variant.
Coding change: c.4987C>T on transcript NM_004525.3 (MANE Select); coding-DNA position 4987, C replaced by T.
Protein change: p.Arg1663Cys; replaces arginine 1663 with cysteine.
Molecular consequence: missense variant.
Genome position (GRCh38, 1-based): chr2:169,233,522, G>A on the plus strand (C>T on the coding strand, the complement: LRP2 is on the minus strand). VCF-style: chr2-169233522-G-A. GRCh37 (hg19) VCF-style: chr2-170090032-G-A.
Other names: c.4987C>T (NM_004525.2); short protein forms R1663C.
Identifiers: ClinVar variation 1895904 (VCV001895904.4), dbSNP rs898681788, ClinGen allele CA59910980.